The following is an entry in ClinVar:

ClinVar aggregate classification (germline): Uncertain significance (1 of 4 stars; one submission).

Allele frequency attached by ClinVar (database versions not stated): TOPMed below 0.00001; gnomAD 0.00001.
gnomAD v4.1: 1 of 1,613,870 alleles (0.000062%); no homozygotes.

Submission:

Ambry Genetics
Classification: Uncertain significance. Last evaluated: 2022-02-14. Review status: criteria provided, single submitter. Criteria: Ambry Variant Classification Scheme 2023. Collection method: clinical testing. Allele origin: germline.
Comment: The p.K786R variant (also known as c.2357A>G), located in coding exon 16 of the CTNNA3 gene, results from an A to G substitution at nucleotide position 2357. The lysine at codon 786 is replaced by arginine, an amino acid with highly similar properties. This amino acid position is conserved. In addition, the in silico prediction for this alteration is inconclusive. Since supporting evidence is limited at this time, the clinical significance of this alteration remains unclear.

NM_013266.4(CTNNA3):c.2357A>G (p.Lys786Arg)

Gene: CTNNA3 (catenin alpha 3; minus strand). Cytogenetic location: 10q21.3.
Variant type: single nucleotide variant.
Coding change: c.2357A>G on transcript NM_013266.4 (MANE Select); coding-DNA position 2357, A replaced by G.
Protein change: p.Lys786Arg; replaces lysine 786 with arginine.
Molecular consequence: missense variant.
Genome position (GRCh38, 1-based): chr10:65,966,655, T>C on the plus strand (A>G on the coding strand, the complement: CTNNA3 is on the minus strand). VCF-style: chr10-65966655-T-C. GRCh37 (hg19) VCF-style: chr10-67726413-T-C.
Other names: c.2357A>G, p.Lys786Arg (NM_001127384.3); short protein forms K786R.
Identifiers: ClinVar variation 1790086 (VCV001790086.2), dbSNP rs1292318570, ClinGen allele CA377089966.